The following is an entry in ClinVar:

ClinVar aggregate classification (germline): Uncertain significance (1 of 4 stars; one submission).

Conditions:
Autosomal recessive limb-girdle muscular dystrophy type 2J (LGMDR10). Also called: Limb-girdle muscular dystrophy, type 2J; MUSCULAR DYSTROPHY, LIMB-GIRDLE, AUTOSOMAL RECESSIVE 10. Identifiers: Orphanet 140922, MedGen C1837342, MONDO:0012127, OMIM 608807.
Dilated cardiomyopathy 1G (CMD1G). Identifiers: Orphanet 154, MedGen C1858763, MONDO:0011400, OMIM 604145.

Submission:

Labcorp Genetics (formerly Invitae), Labcorp
Classification: Uncertain significance for Dilated cardiomyopathy 1G; Autosomal recessive limb-girdle muscular dystrophy type 2J. Last evaluated: 2024-09-05. Review status: criteria provided, single submitter. Criteria: Invitae Variant Classification Sherloc (09022015). Collection method: clinical testing. Allele origin: germline.
Comment: This sequence change replaces valine, which is neutral and non-polar, with isoleucine, which is neutral and non-polar, at codon 33991 of the TTN protein (p.Val33991Ile). This variant is not present in population databases (gnomAD no frequency). This variant has not been reported in the literature in individuals affected with TTN-related conditions. Experimental studies and prediction algorithms are not available or were not evaluated, and the functional significance of this variant is currently unknown. This variant is located in the M band of TTN (PMID: 25589632). Non-truncating variants in this region may be relevant for neuromuscular disorders, but have not been definitively shown to cause cardiomyopathy (PMID: 23975875). In summary, the available evidence is currently insufficient to determine the role of this variant in disease. Therefore, it has been classified as a Variant of Uncertain Significance.

Literature cited by the submitters: PubMed 25589632; PubMed 23975875.

NM_001267550.2(TTN):c.101971G>A (p.Val33991Ile)

Genes: TTN-AS1 (TTN antisense RNA 1; plus strand), TTN (titin; minus strand). Cytogenetic location: 2q31.2.
Variant type: single nucleotide variant.
Coding change: c.101971G>A on transcript NM_001267550.2 (MANE Select); coding-DNA position 101971, G replaced by A.
Protein change: p.Val33991Ile; replaces valine 33991 with isoleucine.
Molecular consequence: missense variant.
Genome position (GRCh38, 1-based): chr2:178,534,644, C>T on the plus strand (G>A on the coding strand, the complement: TTN is on the minus strand). VCF-style: chr2-178534644-C-T. GRCh37 (hg19) VCF-style: chr2-179399371-C-T.
Other names: c.97048G>A, p.Val32350Ile (NM_001256850.1); c.74776G>A, p.Val24926Ile (NM_003319.4); c.94267G>A, p.Val31423Ile (NM_133378.4); c.75151G>A, p.Val25051Ile (NM_133432.3); c.75352G>A, p.Val25118Ile (NM_133437.4); short protein forms V24926I, V25051I, V25118I, V31423I, V32350I, V33991I.
Identifiers: ClinVar variation 3763838 (VCV003763838.2).